The following is an entry in ClinVar:

ClinVar aggregate classification (germline): Uncertain significance (1 of 4 stars; one submission).

Submission:

Labcorp Genetics (formerly Invitae), Labcorp
Classification: Uncertain significance. Last evaluated: 2021-08-19. Review status: criteria provided, single submitter. Criteria: Invitae Variant Classification Sherloc (09022015). Collection method: clinical testing. Allele origin: germline.
Comment: This sequence change replaces alanine with threonine at codon 1399 of the RUSC2 protein (p.Ala1399Thr). The alanine residue is weakly conserved and there is a small physicochemical difference between alanine and threonine. This variant is not present in population databases (ExAC no frequency). This variant has not been reported in the literature in individuals affected with RUSC2-related conditions. Algorithms developed to predict the effect of missense changes on protein structure and function output the following: SIFT: "Tolerated"; PolyPhen-2: "Benign"; Align-GVGD: "Class C0". The threonine amino acid residue is found in multiple mammalian species, which suggests that this missense change does not adversely affect protein function. In summary, the available evidence is currently insufficient to determine the role of this variant in disease. Therefore, it has been classified as a Variant of Uncertain Significance.

NM_014806.5(RUSC2):c.4195G>A (p.Ala1399Thr)

Gene: RUSC2 (RUN and SH3 domain containing 2; plus strand). Cytogenetic location: 9p13.3.
Variant type: single nucleotide variant.
Coding change: c.4195G>A on transcript NM_014806.5 (MANE Select); coding-DNA position 4195, G replaced by A.
Protein change: p.Ala1399Thr; replaces alanine 1399 with threonine.
Molecular consequence: missense variant. On other transcripts: non-coding transcript variant (1).
Genome position (GRCh38, 1-based): chr9:35,560,835, G>A. VCF-style: chr9-35560835-G-A. GRCh37 (hg19) VCF-style: chr9-35560832-G-A.
Other names: c.4195G>A, p.Ala1399Thr (NM_001135999.2); c.1561G>A, p.Ala521Thr (NM_001330740.2); short protein forms A1399T, A521T.
Identifiers: ClinVar variation 1494934 (VCV001494934.6), dbSNP rs1822141728, ClinGen allele CA373356853.